The following is an entry in ClinVar:

ClinVar aggregate classification (germline): Uncertain significance (1 of 4 stars; one submission).

Conditions:
Neutropenia, severe congenital, 2, autosomal dominant. Identifiers: Orphanet 486, MedGen C2751288, MONDO:0013139, OMIM 613107.

Allele frequency attached by ClinVar (database versions not stated): gnomAD exomes below 0.00001.
gnomAD v4.1: 1 of 1,596,010 alleles (0.000063%); highest among the groups gnomAD compares: South Asian, 0.0011%; no homozygotes.

Submission:

Labcorp Genetics (formerly Invitae), Labcorp
Classification: Uncertain significance for Neutropenia, severe congenital, 2, autosomal dominant. Last evaluated: 2022-10-17. Review status: criteria provided, single submitter. Criteria: Invitae Variant Classification Sherloc (09022015). Collection method: clinical testing. Allele origin: germline.
Comment: In summary, the available evidence is currently insufficient to determine the role of this variant in disease. Therefore, it has been classified as a Variant of Uncertain Significance. Advanced modeling of protein sequence and biophysical properties (such as structural, functional, and spatial information, amino acid conservation, physicochemical variation, residue mobility, and thermodynamic stability) performed at Invitae indicates that this missense variant is not expected to disrupt GFI1 protein function. This variant has not been reported in the literature in individuals affected with GFI1-related conditions. This variant is present in population databases (no rsID available, gnomAD 0.004%). This sequence change replaces histidine, which is basic and polar, with aspartic acid, which is acidic and polar, at codon 227 of the GFI1 protein (p.His227Asp).

NM_005263.5(GFI1):c.679C>G (p.His227Asp)

Gene: GFI1 (growth factor independent 1 transcriptional repressor; minus strand). Cytogenetic location: 1p22.1.
Variant type: single nucleotide variant.
Coding change: c.679C>G on transcript NM_005263.5 (MANE Select); coding-DNA position 679, C replaced by G.
Protein change: p.His227Asp; replaces histidine 227 with aspartic acid.
Molecular consequence: missense variant.
Genome position (GRCh38, 1-based): chr1:92,480,708, G>C on the plus strand (C>G on the coding strand, the complement: GFI1 is on the minus strand). VCF-style: chr1-92480708-G-C. GRCh37 (hg19) VCF-style: chr1-92946265-G-C.
Other names: c.679C>G, p.His227Asp (NM_001127215.3, NM_001127216.3); short protein forms H227D.
Identifiers: ClinVar variation 2091842 (VCV002091842.4), dbSNP rs1321931186, ClinGen allele CA341149322.